The following is an entry in ClinVar:

ClinVar aggregate classification (germline): Conflicting classifications of pathogenicity. Review status: criteria provided, conflicting classifications (1 of 4 stars). 3 submissions from 3 submitters: Uncertain significance (2); Likely benign (1). Last evaluated 2026-01-09.

Allele frequency attached by ClinVar (database versions not stated): ESP Exome Variant Server 0.00008; gnomAD exomes 0.00009 and 0.00036; TOPMed 0.00014; gnomAD 0.00015 and 0.00016; 1000 Genomes Project 30x 0.00016; 1000 Genomes Project 0.00020; ExAC 0.00038.
gnomAD v4.1: 159 of 1,614,180 alleles (0.0099%); highest among the groups gnomAD compares: Admixed American, 0.15%; no homozygotes.

Submissions (3):

Women's Health and Genetics/Laboratory Corporation of America, LabCorp
Classification: Likely benign. Last evaluated: 2026-01-09. Review status: criteria provided, single submitter. Criteria: LabCorp Variant Classification Summary - May 2015. Collection method: clinical testing. Allele origin: germline.

CeGaT Center for Human Genetics Tuebingen
Classification: Uncertain significance. Last evaluated: 2024-04-01. Review status: criteria provided, single submitter. Criteria: CeGaT Center For Human Genetics Tuebingen Variant Classification Criteria Version 2. Collection method: clinical testing. Allele origin: germline. Affected: yes. Observed: 1 variant allele.
Comment: IYD: PM2:Supporting, BP4

Genetic Services Laboratory, University of Chicago
Classification: Uncertain significance. Last evaluated: 2016-11-07. Review status: criteria provided, single submitter. Criteria: ACMG Guidelines, 2015. Collection method: clinical testing. Allele origin: germline. Affected: no.

NM_203395.3(IYD):c.762C>T (p.Pro254=)

Gene: IYD (iodotyrosine deiodinase; plus strand). Cytogenetic location: 6q25.1.
Variant type: single nucleotide variant.
Coding change: c.762C>T on transcript NM_203395.3 (MANE Select); coding-DNA position 762, C replaced by T.
Protein change: p.Pro254=; no amino-acid change (proline 254 retained).
Molecular consequence: synonymous variant. On other transcripts: missense variant (1), 3 prime UTR variant (1), non-coding transcript variant (1).
Genome position (GRCh38, 1-based): chr6:150,398,129, C>T. VCF-style: chr6-150398129-C-T. GRCh37 (hg19) VCF-style: chr6-150719265-C-T.
Other names: c.874C>T, p.Arg292Cys (NM_001164694.2); c.*79C>T (NM_001164695.2); c.516C>T, p.Pro172= (NM_001318495.2); short protein forms R292C.
Identifiers: ClinVar variation 355678 (VCV000355678.27), dbSNP rs200771803, ClinGen allele CA4047147.